The following is an entry in ClinVar:

NM_004006.3(DMD):c.6622G>T (p.Glu2208Ter)

Gene: DMD (dystrophin; minus strand). Cytogenetic location: Xp21.1.
Variant type: single nucleotide variant.
Coding change: c.6622G>T on transcript NM_004006.3 (MANE Select); coding-DNA position 6622, G replaced by T.
Protein change: p.Glu2208Ter; replaces glutamic acid 2208 with a stop codon.
Molecular consequence: nonsense. On other transcripts: 5 prime UTR variant (5).
Genome position (GRCh38, 1-based): chrX:31,932,220, C>A on the plus strand (G>T on the coding strand, the complement: DMD is on the minus strand). VCF-style: chrX-31932220-C-A. GRCh37 (hg19) VCF-style: chrX-31950337-C-A.
Other names: c.6598G>T, p.Glu2200Ter (NM_000109.4); c.6610G>T, p.Glu2204Ter (NM_004009.3); c.6253G>T, p.Glu2085Ter (NM_004010.3); c.2599G>T, p.Glu867Ter (NM_004011.4); c.2590G>T, p.Glu864Ter (NM_004012.4); c.-759G>T (NM_004013.3, NM_004020.4, NM_004021.3 and 2 more transcripts); short protein forms E2208*, E2085*, E2204*, E864*, E867*, E2200*.
Identifiers: ClinVar variation 864502 (VCV000864502.10), dbSNP rs2094864356, ClinGen allele CA412658417.

ClinVar aggregate classification (germline): Pathogenic (1 of 4 stars; one submission).

Conditions:
Duchenne muscular dystrophy (DMD). Also called: Duchenne Muscular Dystrophy (DMD); MUSCULAR DYSTROPHY, PSEUDOHYPERTROPHIC PROGRESSIVE, DUCHENNE TYPE. Identifiers: Orphanet 98896, MedGen C0013264, MONDO:0010679, OMIM 310200.

Submission:

Labcorp Genetics (formerly Invitae), Labcorp
Classification: Pathogenic for Duchenne muscular dystrophy. Last evaluated: 2022-02-24. Review status: criteria provided, single submitter. Criteria: Invitae Variant Classification Sherloc (09022015). Collection method: clinical testing. Allele origin: germline.
Comment: For these reasons, this variant has been classified as Pathogenic. ClinVar contains an entry for this variant (Variation ID: 864502). This premature translational stop signal has been observed in individual(s) with Duchenne muscular dystrophy (PMID: 31719299). This variant is not present in population databases (gnomAD no frequency). This sequence change creates a premature translational stop signal (p.Glu2208*) in the DMD gene. It is expected to result in an absent or disrupted protein product. Loss-of-function variants in DMD are known to be pathogenic (PMID: 16770791, 25007885).

Literature cited by the submitters: PubMed 31719299; PubMed 16770791; PubMed 25007885.